The following is an entry in ClinVar:

ClinVar aggregate classification (germline): Uncertain significance. Review status: criteria provided, multiple submitters, no conflicts (2 of 4 stars). 2 submissions from 2 submitters: Uncertain significance (2). Last evaluated 2025-06-03.

Conditions:
Inborn genetic diseases. Identifiers: MedGen C0950123, MeSH D030342.
MED12L-related disorder. Also called: MED12L-related condition.

gnomAD v4.1: 35 of 1,608,012 alleles (0.0022%); highest among the groups gnomAD compares: Non-Finnish European, 0.003%; no homozygotes.

Submissions (2):

Ambry Genetics
Classification: Uncertain significance for Inborn genetic diseases. Last evaluated: 2025-06-03. Review status: criteria provided, single submitter. Criteria: Ambry Variant Classification Scheme 2023. Collection method: clinical testing. Allele origin: germline.

PreventionGenetics, part of Exact Sciences
Classification: Uncertain significance for MED12L-related condition. Last evaluated: 2023-04-28. Review status: criteria provided, single submitter. Criteria: ACMG Guidelines, 2015. Collection method: clinical testing. Allele origin: germline.
Comment: The MED12L c.3898T>C variant is predicted to result in the amino acid substitution p.Cys1300Arg. To our knowledge, this variant has not been reported in the literature or in a large population database, indicating this variant is rare. At this time, the clinical significance of this variant is uncertain due to the absence of conclusive functional and genetic evidence.

NM_001393769.1(MED12L):c.4003T>C (p.Cys1335Arg)

Genes: MED12L (mediator complex subunit 12L; plus strand), P2RY12 (purinergic receptor P2Y12; minus strand). Cytogenetic location: 3q25.1.
Variant type: single nucleotide variant.
Coding change: c.4003T>C on transcript NM_001393769.1 (MANE Select); coding-DNA position 4003, T replaced by C.
Protein change: p.Cys1335Arg; replaces cysteine 1335 with arginine.
Molecular consequence: missense variant. On other transcripts: intron variant (1).
Genome position (GRCh38, 1-based): chr3:151,376,164, T>C. VCF-style: chr3-151376164-T-C. GRCh37 (hg19) VCF-style: chr3-151093952-T-C.
Other names: c.3898T>C, p.Cys1300Arg (NM_053002.6); c.-180+8528A>G (NM_022788.5); c.3898T>C (NM_053002.4); short protein forms C1300R, C1335R.
Identifiers: ClinVar variation 2633300 (VCV002633300.2), dbSNP rs768984130, ClinGen allele CA85730498.